The following is an entry in ClinVar:

ClinVar aggregate classification (germline): Uncertain significance. Review status: criteria provided, multiple submitters, no conflicts (2 of 4 stars). 2 submissions from 2 submitters: Uncertain significance (2). Last evaluated 2025-03-05.

Conditions:
Inborn genetic diseases. Identifiers: MedGen C0950123, MeSH D030342.

Submissions (2):

Ambry Genetics
Classification: Uncertain significance for Inborn genetic diseases. Last evaluated: 2025-03-05. Review status: criteria provided, single submitter. Criteria: Ambry Variant Classification Scheme 2023. Collection method: clinical testing. Allele origin: germline.

Labcorp Genetics (formerly Invitae), Labcorp
Classification: Uncertain significance. Last evaluated: 2022-04-06. Review status: criteria provided, single submitter. Criteria: Invitae Variant Classification Sherloc (09022015). Collection method: clinical testing. Allele origin: germline.
Comment: In summary, the available evidence is currently insufficient to determine the role of this variant in disease. Therefore, it has been classified as a Variant of Uncertain Significance. Algorithms developed to predict the effect of missense changes on protein structure and function are either unavailable or do not agree on the potential impact of this missense change (SIFT: "Deleterious"; PolyPhen-2: "Benign"; Align-GVGD: "Class C0"). This variant has not been reported in the literature in individuals affected with CACNA2D4-related conditions. This variant is not present in population databases (gnomAD no frequency). This sequence change replaces isoleucine, which is neutral and non-polar, with serine, which is neutral and polar, at codon 346 of the CACNA2D4 protein (p.Ile346Ser).

NM_172364.5(CACNA2D4):c.1037T>G (p.Ile346Ser)

Gene: CACNA2D4 (calcium voltage-gated channel auxiliary subunit alpha2delta 4; minus strand). Cytogenetic location: 12p13.33.
Variant type: single nucleotide variant.
Coding change: c.1037T>G on transcript NM_172364.5 (MANE Select); coding-DNA position 1037, T replaced by G.
Protein change: p.Ile346Ser; replaces isoleucine 346 with serine.
Molecular consequence: missense variant.
Genome position (GRCh38, 1-based): chr12:1,885,996, A>C on the plus strand (T>G on the coding strand, the complement: CACNA2D4 is on the minus strand). VCF-style: chr12-1885996-A-C. GRCh37 (hg19) VCF-style: chr12-1995162-A-C.
Other names: c.1037T>G (NM_172364.4); short protein forms I346S.
Identifiers: ClinVar variation 1927453 (VCV001927453.6), dbSNP rs1866133004, ClinGen allele CA383360029.
Genomic context (GRCh38, chr12:1,885,996, plus strand): 5'-GGAAGTCTCAGGCCACCGTGGACACTCACCTCTCGATTGTCTCGGTCCGCCTGGACGAGG[A>C]TCCCTTTAAAACAAGGCTCGATGTAATGGACGTAGTCATTGTACTGCAGTTGCAGTGAGT-3'
Protein context (NP_758952.4, residues 336-356): VHYIEPCFKG[Ile346Ser]LVQADRDNRE